The following is an entry in ClinVar:

NM_000202.8(IDS):c.1536T>C (p.Ala512=)

Gene: IDS (iduronate 2-sulfatase; minus strand). Cytogenetic location: Xq28.
Variant type: single nucleotide variant.
Coding change: c.1536T>C on transcript NM_000202.8 (MANE Select); coding-DNA position 1536, T replaced by C.
Protein change: p.Ala512=; no amino-acid change (alanine 512 retained).
Molecular consequence: synonymous variant.
Genome position (GRCh38, 1-based): chrX:149,482,863, A>G on the plus strand (T>C on the coding strand, the complement: IDS is on the minus strand). VCF-style: chrX-149482863-A-G. GRCh37 (hg19) VCF-style: chrX-148564394-A-G.
Other names: c.1266T>C, p.Ala422= (NM_001166550.4).
Identifiers: ClinVar variation 1135525 (VCV001135525.11), dbSNP rs782673868, ClinGen allele CA519057433.

ClinVar aggregate classification (germline): Likely benign. Review status: criteria provided, multiple submitters, no conflicts (2 of 4 stars). 2 submissions from 2 submitters: Likely benign (2). Last evaluated 2026-05-01.

Conditions:
Mucopolysaccharidosis, MPS-II (MPS2). Also called: Attenuated MPS (subtype; formerly known as mild MPS II); Severe MPS II; I2S deficiency; MPS 2; Hunter Syndrome; IDURONATE 2-SULFATASE DEFICIENCY. Identifiers: Orphanet 580, Orphanet 79388, MedGen C0026705, MONDO:0010674, OMIM 309900.

gnomAD v4.1: 6 of 1,210,369 alleles (0.0005%); highest among the groups gnomAD compares: Non-Finnish European, 0.00056%; no homozygotes.

Submissions (2):

CeGaT Center for Human Genetics Tuebingen
Classification: Likely benign. Last evaluated: 2026-05-01. Review status: criteria provided, single submitter. Criteria: CeGaT Center For Human Genetics Tuebingen Variant Classification Criteria Version 2. Collection method: clinical testing. Allele origin: germline. Affected: yes. Observed: 1 variant allele.
Comment: IDS: BP4, BP7, BS2

Labcorp Genetics (formerly Invitae), Labcorp
Classification: Likely benign for Mucopolysaccharidosis, MPS-II. Last evaluated: 2023-10-12. Review status: criteria provided, single submitter. Criteria: Invitae Variant Classification Sherloc (09022015). Collection method: clinical testing. Allele origin: germline.